The following is an entry in ClinVar:

NM_000642.3(AGL):c.4454T>C (p.Leu1485Pro)

Gene: AGL (amylo-alpha-1,6-glucosidase and 4-alpha-glucanotransferase; plus strand). Cytogenetic location: 1p21.2.
Variant type: single nucleotide variant.
Coding change: c.4454T>C on transcript NM_000642.3 (MANE Select); coding-DNA position 4454, T replaced by C.
Protein change: p.Leu1485Pro; replaces leucine 1485 with proline.
Molecular consequence: missense variant.
Genome position (GRCh38, 1-based): chr1:99,916,704, T>C. VCF-style: chr1-99916704-T-C. GRCh37 (hg19) VCF-style: chr1-100382260-T-C.
Other names: c.4454T>C, p.Leu1485Pro (NM_000028.3, NM_000643.3, NM_000644.3 and 1 more transcripts); c.4406T>C, p.Leu1469Pro (NM_000646.3); c.4433T>C, p.Leu1478Pro (NM_001425326.1); c.4253T>C, p.Leu1418Pro (NM_001425327.1); c.4250T>C, p.Leu1417Pro (NM_001425328.1); c.4115T>C, p.Leu1372Pro (NM_001425329.1); c.4076T>C, p.Leu1359Pro (NM_001425332.1); short protein forms L1469P, L1485P, L1359P, L1372P, L1417P, L1418P, L1478P.
Identifiers: ClinVar variation 1985596 (VCV001985596.1), dbSNP rs1287510327, ClinGen allele CA341342616.

ClinVar aggregate classification (germline): Uncertain significance (1 of 4 stars; one submission).

Conditions:
Glycogen storage disease type III (GSD3). Also called: Cori disease; FORBES DISEASE. Identifiers: Orphanet 366, MedGen C0017922, MONDO:0009291, OMIM 232400.

Allele frequency attached by ClinVar (database versions not stated): gnomAD 0.00001.
gnomAD v4.1: 4 of 1,613,258 alleles (0.00025%); highest among the groups gnomAD compares: Admixed American, 0.0067%; no homozygotes.

Submission:

Labcorp Genetics (formerly Invitae), Labcorp
Classification: Uncertain significance for Glycogen storage disease type III. Last evaluated: 2022-02-18. Review status: criteria provided, single submitter. Criteria: Invitae Variant Classification Sherloc (09022015). Collection method: clinical testing. Allele origin: germline.
Comment: This sequence change replaces leucine, which is neutral and non-polar, with proline, which is neutral and non-polar, at codon 1485 of the AGL protein (p.Leu1485Pro). This variant is present in population databases (no rsID available, gnomAD 0.003%). This variant has not been reported in the literature in individuals affected with AGL-related conditions. Algorithms developed to predict the effect of missense changes on protein structure and function are either unavailable or do not agree on the potential impact of this missense change (SIFT: "Tolerated"; PolyPhen-2: "Probably Damaging"; Align-GVGD: "Class C0"). In summary, the available evidence is currently insufficient to determine the role of this variant in disease. Therefore, it has been classified as a Variant of Uncertain Significance.